The following is an entry in ClinVar:

NM_004186.5(SEMA3F):c.960G>A (p.Ala320=)

Gene: SEMA3F (semaphorin 3F; plus strand). Cytogenetic location: 3p21.31.
Variant type: single nucleotide variant.
Coding change: c.960G>A on transcript NM_004186.5 (MANE Select); coding-DNA position 960, G replaced by A.
Protein change: p.Ala320=; no amino-acid change (alanine 320 retained).
Molecular consequence: synonymous variant.
Genome position (GRCh38, 1-based): chr3:50,182,960, G>A. VCF-style: chr3-50182960-G-A. GRCh37 (hg19) VCF-style: chr3-50220393-G-A.
Other names: c.663G>A, p.Ala221= (NM_001318798.2); c.867G>A, p.Ala289= (NM_001318800.2).
Identifiers: ClinVar variation 4989274 (VCV004989274.1).

ClinVar aggregate classification (germline): Likely benign (1 of 4 stars; one submission).

Conditions:
SEMA3F-related disorder. Also called: SEMA3F-related condition.

gnomAD v4.1: 16 of 1,613,884 alleles (0.00099%); highest among the groups gnomAD compares: South Asian, 0.0055%; no homozygotes.

Submission:

PreventionGenetics, part of Exact Sciences
Classification: Likely benign for SEMA3F-related condition. Last evaluated: 2025-01-29. Review status: criteria provided, single submitter. Criteria: ACMG Guidelines, 2015. Collection method: clinical testing. Allele origin: germline.
Comment: This variant is classified as likely benign based on ACMG/AMP sequence variant interpretation guidelines (Richards et al. 2015 PMID: 25741868, with internal and published modifications).